The following is an entry in ClinVar:

ClinVar aggregate classification (germline): Pathogenic (1 of 4 stars; one submission).

Submission:

GeneDx
Classification: Pathogenic. Last evaluated: 2024-09-18. Review status: criteria provided, single submitter. Criteria: GeneDx Variant Classification Process June 2021. Collection method: clinical testing. Allele origin: germline. Affected: yes.
Comment: Frameshift variant predicted to result in protein truncation or nonsense mediated decay in a gene for which loss of function is a known mechanism of disease; Not observed in large population cohorts (gnomAD); Has not been previously published as pathogenic or benign to our knowledge

NM_181789.4(GLDN):c.330del (p.Asp110fs)

Gene: GLDN (gliomedin; plus strand). Cytogenetic location: 15q21.2.
Variant type: Deletion.
Coding change: c.330del on transcript NM_181789.4 (MANE Select); coding-DNA position 330, one base deleted (C; older notation c.330delC).
Protein change: p.Asp110fs; shifts the reading frame from aspartic acid 110.
Molecular consequence: frameshift variant.
Genome position (GRCh38, 1-based): chr15:51,342,014, C deleted. VCF-style (leftmost placement, unchanged base first): chr15-51342013-AC-A. GRCh37 (hg19) VCF-style: chr15-51634210-AC-A.
Other names: c.330delC (NM_181789.2); short protein forms D110fs.
Identifiers: ClinVar variation 523974 (VCV000523974.4), dbSNP rs1555401209, ClinGen allele CA658798378.
Genomic context (GRCh38, chr15:51,342,013, plus strand): 5'-CTCGCAACAAGCGCAGCCACAGCGGCGAGCCCGCGCCGCATATCCGCGCCGAGAGCCATG[AC>A]ATGCTGATGATGATGACCTACTCCATGGTGCCGGTAGGCGGGGTCTCTGTTCCCCGTGGC-3'